The following is an entry in ClinVar:

NM_001042492.3(NF1):c.3424del (p.Arg1142fs)

Gene: NF1 (neurofibromin 1; plus strand). Cytogenetic location: 17q11.2.
Variant type: Deletion.
Coding change: c.3424del on transcript NM_001042492.3 (MANE Select); coding-DNA position 3424, one base deleted (A; older notation c.3424delA).
Protein change: p.Arg1142fs; shifts the reading frame from arginine 1142.
Molecular consequence: frameshift variant.
Genome position (GRCh38, 1-based): chr17:31,232,809, A deleted. VCF-style (leftmost placement, unchanged base first): chr17-31232808-GA-G. GRCh37 (hg19) VCF-style: chr17-29559826-GA-G.
Other names: c.3424delA, p.Arg1142Glyfs (NM_000267.4); short protein forms R1142fs.
Identifiers: ClinVar variation 2813692 (VCV002813692.4), dbSNP rs2508232397, ClinGen allele CA2739267373.

ClinVar aggregate classification (germline): Pathogenic. Review status: criteria provided, multiple submitters, no conflicts (2 of 4 stars). 2 submissions from 2 submitters: Pathogenic (2). Last evaluated 2024-03-28.

Conditions:
Neurofibromatosis, type 1 (NF1). Also called: NEUROFIBROMATOSIS, TYPE I, SOMATIC; Peripheral type neurofibromatosis; VON RECKLINGHAUSEN DISEASE; Neurofibromatosis, type I. Identifiers: Orphanet 636, MedGen C0027831, MONDO:0018975, OMIM 162200. Disease mechanism: loss of function.

Submissions (2):

Greenwood Genetic Center Diagnostic Laboratories, Greenwood Genetic Center
Classification: Pathogenic for Neurofibromatosis, type 1. Last evaluated: 2024-03-28. Review status: criteria provided, single submitter. Criteria: ACMG Guidelines, 2015. Collection method: clinical testing. Allele origin: germline. Affected: yes.
Comment: PVS1, PS2, PM2

Labcorp Genetics (formerly Invitae), Labcorp
Classification: Pathogenic for Neurofibromatosis, type 1. Last evaluated: 2022-11-11. Review status: criteria provided, single submitter. Criteria: Invitae Variant Classification Sherloc (09022015). Collection method: clinical testing. Allele origin: germline.
Comment: This sequence change creates a premature translational stop signal (p.Arg1142Glyfs*16) in the NF1 gene. It is expected to result in an absent or disrupted protein product. Loss-of-function variants in NF1 are known to be pathogenic (PMID: 10712197, 23913538). This variant is not present in population databases (gnomAD no frequency). This variant has not been reported in the literature in individuals affected with NF1-related conditions. For these reasons, this variant has been classified as Pathogenic.

Literature cited by the submitters: PubMed 10712197 (cited by Labcorp Genetics (formerly Invitae), Labcorp); PubMed 23913538 (cited by Labcorp Genetics (formerly Invitae), Labcorp).